The following is an entry in ClinVar:

NM_013432.5(TONSL):c.2408A>G (p.Gln803Arg)

Genes: TONSL (tonsoku like, DNA repair protein; minus strand), TONSL-AS1 (TONSL antisense RNA 1; plus strand). Cytogenetic location: 8q24.3.
Variant type: single nucleotide variant.
Coding change: c.2408A>G on transcript NM_013432.5 (MANE Select); coding-DNA position 2408, A replaced by G.
Protein change: p.Gln803Arg; replaces glutamine 803 with arginine.
Molecular consequence: missense variant.
Genome position (GRCh38, 1-based): chr8:144,436,025, T>C on the plus strand (A>G on the coding strand, the complement: TONSL is on the minus strand). VCF-style: chr8-144436025-T-C. GRCh37 (hg19) VCF-style: chr8-145661408-T-C.
Other names: c.2408A>G (NM_013432.4); short protein forms Q803R.
Identifiers: ClinVar variation 1374990 (VCV001374990.9), dbSNP rs1421772626, ClinGen allele CA372655419.

ClinVar aggregate classification (germline): Uncertain significance. Review status: criteria provided, multiple submitters, no conflicts (2 of 4 stars). 2 submissions from 2 submitters: Uncertain significance (2). Last evaluated 2025-05-18.

Conditions:
Inborn genetic diseases. Identifiers: MedGen C0950123, MeSH D030342.

Allele frequency attached by ClinVar (database versions not stated): TOPMed below 0.00001; gnomAD 0.00001; gnomAD exomes 0.00001.
gnomAD v4.1: 15 of 1,563,192 alleles (0.00096%); highest among the groups gnomAD compares: South Asian, 0.0023%; no homozygotes.

Submissions (2):

Ambry Genetics
Classification: Uncertain significance for Inborn genetic diseases. Last evaluated: 2025-05-18. Review status: criteria provided, single submitter. Criteria: Ambry Variant Classification Scheme 2023. Collection method: clinical testing. Allele origin: germline.

Labcorp Genetics (formerly Invitae), Labcorp
Classification: Uncertain significance. Last evaluated: 2022-09-26. Review status: criteria provided, single submitter. Criteria: Invitae Variant Classification Sherloc (09022015). Collection method: clinical testing. Allele origin: germline.
Comment: In summary, the available evidence is currently insufficient to determine the role of this variant in disease. Therefore, it has been classified as a Variant of Uncertain Significance. Advanced modeling of protein sequence and biophysical properties (such as structural, functional, and spatial information, amino acid conservation, physicochemical variation, residue mobility, and thermodynamic stability) performed at Invitae indicates that this missense variant is not expected to disrupt TONSL protein function. ClinVar contains an entry for this variant (Variation ID: 1374990). This variant has not been reported in the literature in individuals affected with TONSL-related conditions. This variant is present in population databases (no rsID available, gnomAD 0.002%). This sequence change replaces glutamine, which is neutral and polar, with arginine, which is basic and polar, at codon 803 of the TONSL protein (p.Gln803Arg).